The following is an entry in ClinVar:

NM_014855.3(AP5Z1):c.1740G>A (p.Ala580=)

Gene: AP5Z1 (adaptor related protein complex 5 subunit zeta 1; plus strand). Cytogenetic location: 7p22.1.
Variant type: single nucleotide variant.
Coding change: c.1740G>A on transcript NM_014855.3 (MANE Select); coding-DNA position 1740, G replaced by A.
Protein change: p.Ala580=; no amino-acid change (alanine 580 retained).
Molecular consequence: synonymous variant. On other transcripts: non-coding transcript variant (1).
Genome position (GRCh38, 1-based): chr7:4,789,864, G>A. VCF-style: chr7-4789864-G-A. GRCh37 (hg19) VCF-style: chr7-4829495-G-A.
Other names: c.1272G>A, p.Ala424= (NM_001364858.1).
Identifiers: ClinVar variation 909908 (VCV000909908.12), dbSNP rs773950276, ClinGen allele CA4138009.
Genomic context (GRCh38, chr7:4,789,864, plus strand): 5'-GAGCCTGTTTCCCACTCCTGACCCCCAGGTGGCTGACGGGTCCCTGATCAACCAGCTGGC[G>A]CTGCTGCTCCTGGGCAGGAGCGACTCGCTCTACCCGGCCCCAGGGTACGCTGCCGGTGTG-3'
Protein context (NP_055670.1, residues 570-590): VADGSLINQL[Ala580=]LLLLGRSDSL

ClinVar aggregate classification (germline): Conflicting classifications of pathogenicity. Review status: criteria provided, conflicting classifications (1 of 4 stars). 4 submissions from 4 submitters: Uncertain significance (2); Likely benign (1). 1 of the submissions does not count toward it. Last evaluated 2024-01-06.

Conditions:
Hereditary spastic paraplegia 48. Also called: Spastic paraplegia 48; SPASTIC PARAPLEGIA 48, AUTOSOMAL RECESSIVE. Identifiers: Orphanet 306511, MedGen C3150901, MONDO:0013342, OMIM 613647.
Hereditary spastic paraplegia. Also called: Familial spastic paraparesis. Identifiers: Orphanet 685, MedGen C0037773, MONDO:0019064. Disease mechanism: loss of function.
AP5Z1-related disorder. Also called: AP5Z1-related condition.

Allele frequency attached by ClinVar (database versions not stated): ExAC below 0.00001; TOPMed 0.00008.
gnomAD v4.1: 11 of 1,552,734 alleles (0.00071%); highest among the groups gnomAD compares: East Asian, 0.012%; no homozygotes.

Submissions (4):

Labcorp Genetics (formerly Invitae), Labcorp
Classification: Likely benign for Hereditary spastic paraplegia 48. Last evaluated: 2024-01-06. Review status: criteria provided, single submitter. Criteria: Invitae Variant Classification Sherloc (09022015). Collection method: clinical testing. Allele origin: germline.

Illumina Laboratory Services, Illumina
Classification: Uncertain significance for Hereditary spastic paraplegia 48. Last evaluated: 2018-01-13. Review status: criteria provided, single submitter. Criteria: ICSL Variant Classification Criteria 13 December 2019. Collection method: clinical testing. Allele origin: germline.

Genome Diagnostics Laboratory, The Hospital for Sick Children
Classification: Uncertain significance for Hereditary spastic paraplegia. Last evaluated: 2016-12-12. Review status: criteria provided, single submitter. Criteria: ACMG Guidelines, 2015. Collection method: clinical testing. Allele origin: germline. Affected: yes.

PreventionGenetics, part of Exact Sciences
Classification: Likely benign for AP5Z1-related condition. Last evaluated: 2024-07-03. Review status: no assertion criteria provided. Collection method: clinical testing. Allele origin: germline. Not counted in ClinVar's aggregate classification.
Comment: This variant is classified as likely benign based on ACMG/AMP sequence variant interpretation guidelines (Richards et al. 2015 PMID: 25741868, with internal and published modifications).